The following is an entry in ClinVar:

NM_152564.5(VPS13B):c.6329_6330del (p.Ser2110fs)

Gene: VPS13B (vacuolar protein sorting 13 homolog B; plus strand). Cytogenetic location: 8q22.2.
Variant type: Deletion.
Coding change: c.6329_6330del on transcript NM_152564.5 (MANE Select); coding-DNA positions 6329 to 6330, 2 bases deleted (CT; older notation c.6329_6330delCT).
Protein change: p.Ser2110fs; shifts the reading frame from serine 2110.
Molecular consequence: frameshift variant.
Genome position (GRCh38, 1-based): chr8:99,699,807-99,699,808, CT deleted; deleting any 2 consecutive bases within chr8:99,699,806-99,699,808 gives the same sequence; the c. name uses the placement nearest the transcript's 3' end. VCF-style (leftmost placement, unchanged base first): chr8-99699805-TTC-T. GRCh37 (hg19) VCF-style: chr8-100712033-TTC-T.
Other names: c.6404_6405del, p.Ser2135fs (NM_017890.5); short protein forms S2110fs, S2135fs.
Identifiers: ClinVar variation 2770992 (VCV002770992.3), dbSNP rs2491484630, ClinGen allele CA2697550040.

ClinVar aggregate classification (germline): Pathogenic (1 of 4 stars; one submission).

Conditions:
Cohen syndrome (COH1). Also called: PEPPER SYNDROME; Cutis verticis gyrata, retinitis pigmentosa, and sensorineural deafness. Identifiers: Orphanet 193, MedGen C0265223, MONDO:0008999, OMIM 216550.

Submission:

Labcorp Genetics (formerly Invitae), Labcorp
Classification: Pathogenic for Cohen syndrome. Last evaluated: 2023-10-22. Review status: criteria provided, single submitter. Criteria: Invitae Variant Classification Sherloc (09022015). Collection method: clinical testing. Allele origin: germline.
Comment: This sequence change creates a premature translational stop signal (p.Ser2135Cysfs*33) in the VPS13B gene. It is expected to result in an absent or disrupted protein product. Loss-of-function variants in VPS13B are known to be pathogenic (PMID: 15141358, 16648375, 20461111). This variant is not present in population databases (gnomAD no frequency). This variant has not been reported in the literature in individuals affected with VPS13B-related conditions. For these reasons, this variant has been classified as Pathogenic.

Literature cited by the submitters: PubMed 15141358; PubMed 16648375; PubMed 20461111.